The following is an entry in ClinVar:

ClinVar aggregate classification (germline): Uncertain significance. Review status: criteria provided, multiple submitters, no conflicts (2 of 4 stars). 3 submissions from 3 submitters: Uncertain significance (3). Last evaluated 2025-04-07.

Submissions (3):

GeneDx
Classification: Uncertain significance. Last evaluated: 2025-04-07. Review status: criteria provided, single submitter. Criteria: GeneDx Variant Classification Process June 2021. Collection method: clinical testing. Allele origin: germline. Affected: yes.
Comment: Has been observed with a missense variant in a patient with hearing loss and a reported diagnosis of Usher syndrome, however specific clinical details regarding the diagnosis of Usher syndrome nor phase of the variants in this patient was specified in this report (PMID: 38987893); Nonsense variant predicted to result in protein truncation as the last 16 amino acid(s) are lost; Not observed at significant frequency in large population cohorts (gnomAD); This variant is associated with the following publications: (PMID: 38987893)

Blueprint Genetics
Classification: Uncertain significance. Last evaluated: 2023-04-13. Review status: criteria provided, single submitter. Criteria: ACMG Guidelines, 2015. Collection method: clinical testing. Allele origin: germline.

Labcorp Genetics (formerly Invitae), Labcorp
Classification: Uncertain significance. Last evaluated: 2022-03-29. Review status: criteria provided, single submitter. Criteria: Invitae Variant Classification Sherloc (09022015). Collection method: clinical testing. Allele origin: germline.
Comment: In summary, the available evidence is currently insufficient to determine the role of this variant in disease. Therefore, it has been classified as a Variant of Uncertain Significance. Experimental studies and prediction algorithms are not available or were not evaluated, and the functional significance of this variant is currently unknown. This variant has not been reported in the literature in individuals affected with MYO7A-related conditions. This variant is not present in population databases (gnomAD no frequency). This sequence change creates a premature translational stop signal (p.Gln2200*) in the MYO7A gene. While this is not anticipated to result in nonsense mediated decay, it is expected to disrupt the last 16 amino acid(s) of the MYO7A protein.

NM_000260.4(MYO7A):c.6598C>T (p.Gln2200Ter)

Gene: MYO7A (myosin VIIA; plus strand). Cytogenetic location: 11q13.5.
Variant type: single nucleotide variant.
Coding change: c.6598C>T on transcript NM_000260.4 (MANE Select); coding-DNA position 6598, C replaced by T.
Protein change: p.Gln2200Ter; replaces glutamine 2200 with a stop codon.
Molecular consequence: nonsense.
Genome position (GRCh38, 1-based): chr11:77,214,646, C>T. VCF-style: chr11-77214646-C-T. GRCh37 (hg19) VCF-style: chr11-76925691-C-T.
Other names: c.6598C>T (NM_000260.3); c.6478C>T, p.Gln2160Ter (NM_001127180.2); c.6451C>T, p.Gln2151Ter (NM_001369365.1); short protein forms Q2151*, Q2200*, Q2160*.
Identifiers: ClinVar variation 2119613 (VCV002119613.6), dbSNP rs1387705152, ClinGen allele CA381939303.